The following is an entry in ClinVar:

NM_000059.4(BRCA2):c.3859A>T (p.Asn1287Tyr)

Gene: BRCA2 (BRCA2 DNA repair associated; plus strand). Cytogenetic location: 13q13.1.
Variant type: single nucleotide variant.
Coding change: c.3859A>T on transcript NM_000059.4 (MANE Select); coding-DNA position 3859, A replaced by T.
Protein change: p.Asn1287Tyr; replaces asparagine 1287 with tyrosine.
Molecular consequence: missense variant.
Genome position (GRCh38, 1-based): chr13:32,338,214, A>T. VCF-style: chr13-32338214-A-T. GRCh37 (hg19) VCF-style: chr13-32912351-A-T.
Other names: short protein forms N1287Y.
Identifiers: ClinVar variation 656927 (VCV000656927.16), dbSNP rs1566229283, ClinGen allele CA387778655.
Genomic context (GRCh38, chr13:32,338,214, plus strand): 5'-GATTCTGTTGTTTCAATGTTTAAGATAGAAAATCATAATGATAAAACTGTAAGTGAAAAA[A>T]ATAATAAATGCCAACTGATATTACAAAATAATATTGAAATGACTACTGGCACTTTTGTTG-3'
Protein context (NP_000050.3, residues 1277-1297): NHNDKTVSEK[Asn1287Tyr]NKCQLILQNN

ClinVar aggregate classification (germline): Conflicting classifications of pathogenicity. Review status: criteria provided, conflicting classifications (1 of 4 stars). 6 submissions from 6 submitters: Uncertain significance (5); Likely benign (1). Last evaluated 2025-09-04.

Conditions:
Hereditary breast ovarian cancer syndrome. Also called: Hereditary breast and ovarian cancer; Hereditary breast and/or ovarian cancer syndrome; Breast and ovarian cancer; BRCA1- and BRCA2-Associated Hereditary Breast and Ovarian Cancer; Hereditary breast and ovarian cancer syndrome; Hereditary breast and ovarian cancer syndrome (HBOC). Identifiers: Orphanet 145, MedGen C0677776, MeSH D061325, MONDO:0003582. Disease mechanism: loss of function.
Hereditary cancer-predisposing syndrome. Also called: Hereditary neoplastic syndrome; Tumor predisposition; Neoplastic Syndromes, Hereditary; Hereditary Cancer Syndrome. Identifiers: Orphanet 140162, MedGen C0027672, MeSH D009386, MONDO:0015356.

Allele frequency attached by ClinVar (database versions not stated): gnomAD exomes below 0.00001.
gnomAD v4.1: 1 of 1,544,474 alleles (0.000065%); highest among the groups gnomAD compares: Non-Finnish European, 0.000087%; no homozygotes.

Submissions (6):

Ambry Genetics
Classification: Uncertain significance for Hereditary cancer-predisposing syndrome. Last evaluated: 2025-09-04. Review status: criteria provided, single submitter. Criteria: Ambry Variant Classification Scheme 2023. Collection method: clinical testing. Allele origin: germline.
Comment: The p.N1287Y variant (also known as c.3859A>T), located in coding exon 10 of the BRCA2 gene, results from an A to T substitution at nucleotide position 3859. The asparagine at codon 1287 is replaced by tyrosine, an amino acid with dissimilar properties. This amino acid position is not well conserved in available vertebrate species. In addition, this alteration is predicted to be tolerated by in silico analysis. Since supporting evidence is limited at this time, the clinical significance of this alteration remains unclear.

Labcorp Genetics (formerly Invitae), Labcorp
Classification: Uncertain significance for Hereditary breast ovarian cancer syndrome. Last evaluated: 2024-10-23. Review status: criteria provided, single submitter. Criteria: Invitae Variant Classification Sherloc (09022015). Collection method: clinical testing. Allele origin: germline.
Comment: This sequence change replaces asparagine, which is neutral and polar, with tyrosine, which is neutral and polar, at codon 1287 of the BRCA2 protein (p.Asn1287Tyr). This variant is not present in population databases (gnomAD no frequency). This variant has not been reported in the literature in individuals affected with BRCA2-related conditions. ClinVar contains an entry for this variant (Variation ID: 656927). Invitae Evidence Modeling of protein sequence and biophysical properties (such as structural, functional, and spatial information, amino acid conservation, physicochemical variation, residue mobility, and thermodynamic stability) indicates that this missense variant is not expected to disrupt BRCA2 protein function with a negative predictive value of 95%. In summary, the available evidence is currently insufficient to determine the role of this variant in disease. Therefore, it has been classified as a Variant of Uncertain Significance.

Quest Diagnostics Nichols Institute San Juan Capistrano
Classification: Uncertain significance. Last evaluated: 2024-09-28. Review status: criteria provided, single submitter. Criteria: Quest Diagnostics criteria. Collection method: clinical testing. Allele origin: unknown.
Comment: The BRCA2 c.3859A>T (p.Asn1287Tyr) variant has been reported in the published literature to be located in a region of the BRCA2 gene that is tolerant to missense sequence changes (PMID: 31911673 (2020)). To the best of our knowledge, this variant has not been reported in individuals with BRCA2-related disorders. This variant has not been reported in large, multi-ethnic general populations (Genome Aggregation Database). Analysis of this variant using bioinformatics tools for the prediction of the effect of amino acid changes on protein structure and function yielded predictions that this variant is benign. Based on the available information, we are unable to determine the clinical significance of this variant.

Color Diagnostics, LLC DBA Color Health
Classification: Uncertain significance for Hereditary cancer-predisposing syndrome. Last evaluated: 2024-03-06. Review status: criteria provided, single submitter. Criteria: ACMG Guidelines, 2015. Collection method: clinical testing. Allele origin: germline.
Comment: This missense variant replaces asparagine with tyrosine at codon 1287 of the BRCA2 protein. Computational prediction suggests that this variant may not impact protein structure and function (internally defined REVEL score threshold <= 0.5, PMID: 27666373). To our knowledge, functional studies have not been reported for this variant. This variant has not been reported in individuals affected with hereditary cancer in the literature. This variant has not been identified in the general population by the Genome Aggregation Database (gnomAD). The available evidence is insufficient to determine the role of this variant in disease conclusively. Therefore, this variant is classified as a Variant of Uncertain Significance.

GeneDx
Classification: Uncertain significance. Last evaluated: 2023-08-17. Review status: criteria provided, single submitter. Criteria: GeneDx Variant Classification Process June 2021. Collection method: clinical testing. Allele origin: germline. Affected: yes.
Comment: Not observed at significant frequency in large population cohorts (gnomAD); In silico analysis supports that this missense variant has a deleterious effect on protein structure/function; Has not been previously published as pathogenic or benign to our knowledge; Also known as 4087A>T

University of Washington Department of Laboratory Medicine, University of Washington
Classification: Likely benign for Hereditary cancer-predisposing syndrome. Last evaluated: 2023-03-23. Review status: criteria provided, single submitter. Criteria: Dines et al. (Genet Med. 2020). Collection method: curation. Allele origin: germline.
Comment: Missense variant in a coldspot region where missense variants are very unlikely to be pathogenic (PMID:31911673).

BRCA2 exon 11 coldspot. Reclassification based on statistical prior probability.

Literature cited by the submitters: PubMed 31911673 (cited by Quest Diagnostics Nichols Institute San Juan Capistrano).